The following is an entry in ClinVar:

NM_001845.6(COL4A1):c.241A>G (p.Thr81Ala)

Gene: COL4A1 (collagen type IV alpha 1 chain; minus strand). Cytogenetic location: 13q34.
Variant type: single nucleotide variant.
Coding change: c.241A>G on transcript NM_001845.6 (MANE Select); coding-DNA position 241, A replaced by G.
Protein change: p.Thr81Ala; replaces threonine 81 with alanine.
Molecular consequence: missense variant.
Genome position (GRCh38, 1-based): chr13:110,213,820, T>C on the plus strand (A>G on the coding strand, the complement: COL4A1 is on the minus strand). VCF-style: chr13-110213820-T-C. GRCh37 (hg19) VCF-style: chr13-110866167-T-C.
Other names: c.241A>G (NM_001845.4); c.241A>G, p.Thr81Ala (NM_001303110.2); short protein forms T81A.
Identifiers: ClinVar variation 2688827 (VCV002688827.7), dbSNP rs909463574, ClinGen allele CA256245955.

ClinVar aggregate classification (germline): Conflicting classifications of pathogenicity. Review status: criteria provided, conflicting classifications (1 of 4 stars). 4 submissions from 4 submitters: Uncertain significance (3); Likely benign (1). Last evaluated 2026-01-16.

Conditions:
Brain small vessel disease 1 with or without ocular anomalies (BSVD1). Also called: PORENCEPHALY, TYPE 1, AUTOSOMAL DOMINANT; GOULD SYNDROME 1; BRAIN SMALL VESSEL DISEASE WITH HEMORRHAGE; Brain small vessel disease with or without ocular anomalies. Identifiers: Orphanet 2940, Orphanet 36383, Orphanet 99810, MedGen C4755307, MONDO:0008289, OMIM 175780.
Microangiopathy and leukoencephalopathy, pontine, autosomal dominant. Also called: DEMENTIA, HEREDITARY MULTI-INFARCT, SWEDISH TYPE; Pontine autosomal dominant microangiopathy with leukoencephalopathy. Identifiers: Orphanet 477749, MedGen C5231411, MONDO:0032814, OMIM 618564.
Hemorrhage, intracerebral, susceptibility to (ICH). Also called: Stroke, hemorrhagic, susceptibility to. Identifiers: MedGen C3281105, MONDO:0100533, OMIM 614519.
Retinal arterial tortuosity. Also called: Retinal arteries, tortuosity of; RETINAL HEMORRHAGE WITH VASCULAR TORTUOSITY. Identifiers: Orphanet 75326, MedGen C0423401, MONDO:0008373, OMIM 180000, HP:0000631.
Autosomal dominant familial hematuria-retinal arteriolar tortuosity-contractures syndrome. Also called: Angiopathy, hereditary, with nephropathy, aneurysms, and muscle cramps; Hereditary Angiopathy with Nephropathy, Aneurysms, and Muscle Cramps (HANAC) Syndrome. Identifiers: Orphanet 73229, MedGen C2673195, MONDO:0012726, OMIM 611773.
Inborn genetic diseases. Identifiers: MedGen C0950123, MeSH D030342.

Allele frequency attached by ClinVar (database versions not stated): gnomAD 0.00001; gnomAD exomes 0.00001; TOPMed 0.00001.
gnomAD v4.1: 4 of 1,613,966 alleles (0.00025%); highest among the groups gnomAD compares: Non-Finnish European, 0.00034%; no homozygotes.

Submissions (4):

Ambry Genetics
Classification: Likely benign for Inborn genetic diseases. Last evaluated: 2026-01-16. Review status: criteria provided, single submitter. Criteria: Ambry Variant Classification Scheme 2023. Collection method: clinical testing. Allele origin: germline.

Labcorp Genetics (formerly Invitae), Labcorp
Classification: Uncertain significance. Last evaluated: 2025-07-02. Review status: criteria provided, single submitter. Criteria: Invitae Variant Classification Sherloc (09022015). Collection method: clinical testing. Allele origin: germline.
Comment: This sequence change replaces threonine, which is neutral and polar, with alanine, which is neutral and non-polar, at codon 81 of the COL4A1 protein (p.Thr81Ala). This variant is present in population databases (no rsID available, gnomAD 0.0009%). This variant has not been reported in the literature in individuals affected with COL4A1-related conditions. ClinVar contains an entry for this variant (Variation ID: 2688827). Invitae Evidence Modeling of protein sequence and biophysical properties (such as structural, functional, and spatial information, amino acid conservation, physicochemical variation, residue mobility, and thermodynamic stability) indicates that this missense variant is not expected to disrupt COL4A1 protein function with a negative predictive value of 95%. In summary, the available evidence is currently insufficient to determine the role of this variant in disease. Therefore, it has been classified as a Variant of Uncertain Significance.

Fulgent Genetics
Classification: Uncertain significance for Brain small vessel disease 1 with or without ocular anomalies; Retinal arterial tortuosity; Autosomal dominant familial hematuria-retinal arteriolar tortuosity-contractures syndrome; Hemorrhage, intracerebral, susceptibility to; Microangiopathy and leukoencephalopathy, pontine, autosomal dominant. Last evaluated: 2024-01-31. Review status: criteria provided, single submitter. Criteria: ACMG Guidelines, 2015. Collection method: clinical testing. Allele origin: germline.

Revvity Omics, Revvity
Classification: Uncertain significance. Last evaluated: 2023-04-26. Review status: criteria provided, single submitter. Criteria: ACMG Guidelines, 2015. Collection method: clinical testing. Allele origin: germline.